The following is an entry in ClinVar:

ClinVar aggregate classification (germline): Benign. Review status: criteria provided, multiple submitters, no conflicts (2 of 4 stars). 3 submissions from 3 submitters: Benign (3). Last evaluated 2018-07-15.

Conditions:
Parkinson disease 13, autosomal dominant, susceptibility to. Identifiers: Orphanet 2828, MedGen C1853202, MONDO:0012466, OMIM 610297.

Allele frequency attached by ClinVar (database versions not stated): gnomAD 0.03334 and 0.03093; 1000 Genomes Project 0.03355; 1000 Genomes Project 30x 0.03560; TOPMed 0.03575.
gnomAD v4.1: 8,422 of 1,228,668 alleles (0.69%); highest among the groups gnomAD compares: African/African-American, 11%; 444 homozygotes.

Submissions (3):

GeneDx
Classification: Benign. Last evaluated: 2018-07-15. Review status: criteria provided, single submitter. Criteria: GeneDx Variant Classification Process June 2021. Collection method: clinical testing. Allele origin: germline. Affected: yes.

Illumina Laboratory Services, Illumina
Classification: Benign for Parkinson disease 13, autosomal dominant, susceptibility to. Last evaluated: 2018-01-13. Review status: criteria provided, single submitter. Criteria: ICSL Variant Classification Criteria 13 December 2019. Collection method: clinical testing. Allele origin: germline.
Comment: This variant was observed in the ICSL laboratory as part of a predisposition screen in an ostensibly healthy population. It had not been previously curated by ICSL or reported in the Human Gene Mutation Database (HGMD: prior to June 1st, 2018), and was therefore a candidate for classification through an automated scoring system. Utilizing variant allele frequency, disease prevalence and penetrance estimates, and inheritance mode, an automated score was calculated to assess if this variant is too frequent to cause the disease. Based on the score and internal cut-off values, a variant classified as benign is not then subjected to further curation. The score for this variant resulted in a classification of benign for this disease.

Breakthrough Genomics
Classification: Benign. Review status: criteria provided, single submitter. Criteria: ACMG Guidelines, 2015. Collection method: not provided. Allele origin: germline. Inheritance: Autosomal recessive inheritance. Affected: yes.

NM_013247.5(HTRA2):c.*94C>T

Genes: HTRA2 (HtrA serine peptidase 2; plus strand), LOXL3 (lysyl oxidase like 3; minus strand). Cytogenetic location: 2p13.1.
Variant type: single nucleotide variant.
Coding change: c.*94C>T on transcript NM_013247.5 (MANE Select); 94 bases downstream of the stop codon, C replaced by T.
Molecular consequence: 3 prime UTR variant. On other transcripts: non-coding transcript variant (4).
Genome position (GRCh38, 1-based): chr2:74,533,079, C>T. VCF-style: chr2-74533079-C-T. GRCh37 (hg19) VCF-style: chr2-74760206-C-T.
Other names: c.*94C>T (NM_001321727.1, NM_001321728.1, NM_145074.2); c.*527G>A (NM_001289164.3, NM_001289165.2, NM_032603.5).
Identifiers: ClinVar variation 337139 (VCV000337139.8), dbSNP rs79220020, ClinGen allele CA10614435.